The following is an entry in ClinVar:

ClinVar aggregate classification (germline): Pathogenic (1 of 4 stars; one submission).

Conditions:
X-linked lissencephaly with abnormal genitalia. Identifiers: Orphanet 452, MedGen C1846171, MONDO:0010268, OMIM 300215.

Submission:

Juno Genomics, Hangzhou Juno Genomics, Inc
Classification: Pathogenic for X-linked lissencephaly with abnormal genitalia. Review status: criteria provided, single submitter. Criteria: ACMG Guidelines, 2015. Collection method: clinical testing. Allele origin: germline. Affected: yes.
Comment: Absent from controls (or at extremely low frequency if recessive) in Genome Aggregation Database, Exome Sequencing Project, 1000 Genomes Project, or Exome Aggregation Consortium.;De novo (both maternity and paternity confirmed) in a patient with the disease and no family history.;Null variant in a gene where loss of function (LOF) is a known mechanism of disease.

NM_139058.3(ARX):c.153_169del (p.Ala52fs)

Gene: ARX (aristaless related homeobox; minus strand). Cytogenetic location: Xp21.3.
Variant type: Deletion.
Coding change: c.153_169del on transcript NM_139058.3 (MANE Select); coding-DNA positions 153 to 169, 17 bases deleted (TGCTCCGCTGACCAGCC).
Protein change: p.Ala52fs; shifts the reading frame from alanine 52.
Molecular consequence: frameshift variant.
Genome position (GRCh38, 1-based): chrX:25,015,569-25,015,585, GGCTGGTCAGCGGAGCA deleted on the plus strand (TGCTCCGCTGACCAGCC on the coding strand, the reverse complement: ARX is on the minus strand); deleting any 17 consecutive bases within chrX:25,015,569-25,015,588 gives the same sequence; the c. name uses the placement nearest the transcript's 3' end. VCF-style (leftmost placement, unchanged base first): chrX-25015568-CGGCTGGTCAGCGGAGCA-C. GRCh37 (hg19) VCF-style: chrX-25033685-CGGCTGGTCAGCGGAGCA-C.
Other names: short protein forms A52fs.
Identifiers: ClinVar variation 4531285 (VCV004531285.1).
Genomic context (GRCh38, chrX:25,015,568, plus strand): 5'-GCCCTTAGTAAGTGCCTGACGGGAGCATCCTTACCTTGCACGGCCTTTTCCGGGTCGGCG[CGGCTGGTCAGCGGAGCA>C]GGCAAGCTCTGCGCGGCTCCCAGCAACCGCATTTTGCACGGGCTCCTCCGGCCCAGGATG-3'